The following is an entry in ClinVar:

ClinVar aggregate classification (germline): Pathogenic (1 of 4 stars; one submission).

Submission:

GeneDx
Classification: Pathogenic. Last evaluated: 2018-07-27. Review status: criteria provided, single submitter. Criteria: GeneDx Variant Classification (06012015). Collection method: clinical testing. Allele origin: germline. Affected: yes.
Comment: The c.66dupG variant in the PURA gene has not been reported previously as a pathogenic variant nor as a benign variant, to our knowledge. The c.66dupG variant causes a frameshift starting with codon Histidine 23, changes this amino acid to an Alanine residue, and creates a premature Stop codon at position 178 of the new reading frame, denoted p.His23AlafsX178. This variant is predicted to cause loss of normal protein function through protein truncation. The c.66dupG variant is not observed in large population cohorts (Lek et al., 2016). We interpret c.66dupG as a pathogenic variant.

NM_005859.5(PURA):c.66dup (p.His23fs)

Gene: PURA (purine rich element binding protein A; plus strand). Cytogenetic location: 5q31.3.
Variant type: Duplication.
Coding change: c.66dup on transcript NM_005859.5 (MANE Select); coding-DNA position 66, one base duplicated (G; older notation c.66dupG).
Protein change: p.His23fs; shifts the reading frame from histidine 23.
Molecular consequence: frameshift variant.
Genome position (GRCh38, 1-based): chr5:140,114,247, G duplicated; the last of 4 consecutive G bases (chr5:140,114,244-140,114,247); duplicating any one gives the same sequence. VCF-style (leftmost placement, unchanged base first): chr5-140114243-T-TG. GRCh37 (hg19) VCF-style: chr5-139493828-T-TG.
Other names: short protein forms H23fs.
Identifiers: ClinVar variation 817752 (VCV000817752.1), dbSNP rs1581036051, ClinGen allele CA915942631.